The following is an entry in ClinVar:

NM_207111.4(RNF216):c.352T>C (p.Leu118=)

Gene: RNF216 (ring finger protein 216; minus strand). Cytogenetic location: 7p22.1.
Variant type: single nucleotide variant.
Coding change: c.352T>C on transcript NM_207111.4 (MANE Select); coding-DNA position 352, T replaced by C.
Protein change: p.Leu118=; no amino-acid change (leucine 118 retained).
Molecular consequence: synonymous variant. On other transcripts: intron variant (2).
Genome position (GRCh38, 1-based): chr7:5,741,665, A>G on the plus strand (T>C on the coding strand, the complement: RNF216 is on the minus strand). VCF-style: chr7-5741665-A-G. GRCh37 (hg19) VCF-style: chr7-5781296-A-G.
Other names: c.202-21T>C (NM_207116.3, NM_001377156.1).
Identifiers: ClinVar variation 2657292 (VCV002657292.24), dbSNP rs2534255284, ClinGen allele CA453640579.

ClinVar aggregate classification (germline): Likely benign (1 of 4 stars; one submission).

Allele frequency attached by ClinVar (database versions not stated): gnomAD exomes below 0.00001.
gnomAD v4.1: 2 of 1,614,132 alleles (0.00012%); highest among the groups gnomAD compares: Non-Finnish European, 0.000085%; no homozygotes.

Submission:

CeGaT Center for Human Genetics Tuebingen
Classification: Likely benign. Last evaluated: 2023-04-01. Review status: criteria provided, single submitter. Criteria: CeGaT Center For Human Genetics Tuebingen Variant Classification Criteria Version 2. Collection method: clinical testing. Allele origin: germline. Affected: yes. Observed: 1 variant allele.
Comment: RNF216: PM2:Supporting, BP4, BP7